The following is an entry in ClinVar:

ClinVar aggregate classification (germline): Likely pathogenic (1 of 4 stars; one submission).

Conditions:
Neurodevelopmental disorder with structural brain anomalies and dysmorphic facies (NEDBAF). Identifiers: Orphanet 659609, MedGen C5231416, MONDO:0032820, OMIM 618577.

Submission:

Centre de Génétique Humaine, Institut de Pathologie Et de Génétique
Classification: Likely pathogenic for Neurodevelopmental disorder with structural brain anomalies and dysmorphic facies. Last evaluated: 2022-12-13. Review status: criteria provided, single submitter. Criteria: ACMG Guidelines, 2015. Collection method: clinical testing. Allele origin: de novo. Inheritance: Autosomal dominant inheritance. Affected: yes. Observed: 1 heterozygote.
Comment: Missense variant not found in GnomAD database, affecting a highly conserved amino acid (down to C. Elegans) in the "small GTPase domain". In silico tools classify the variant as pathogenic (SIFT, PolyPhen2, CADD score 20.5). Foetopathology described facial dysmorphism (see dedicated section).

Literature cited by the submitters: PubMed 38214746.

NM_005052.3(RAC3):c.276T>A (p.Asn92Lys)

Gene: RAC3 (Rac family small GTPase 3; plus strand). Cytogenetic location: 17q25.3.
Variant type: single nucleotide variant.
Coding change: c.276T>A on transcript NM_005052.3 (MANE Select); coding-DNA position 276, T replaced by A.
Protein change: p.Asn92Lys; replaces asparagine 92 with lysine.
Molecular consequence: missense variant.
Genome position (GRCh38, 1-based): chr17:82,032,997, T>A. VCF-style: chr17-82032997-T-A. GRCh37 (hg19) VCF-style: chr17-79990873-T-A.
Other names: c.276T>A, p.Asn92Lys (NM_001316307.2); short protein forms N92K.
Identifiers: ClinVar variation 2663816 (VCV002663816.2), dbSNP rs945470080, ClinGen allele CA401554161.